The following is an entry in ClinVar:

ClinVar aggregate classification (germline): Likely pathogenic (1 of 4 stars; one submission).

Conditions:
Developmental and epileptic encephalopathy. Identifiers: MedGen C5779964, MONDO:0100620.

Submission:

Institute of Human Genetics, University of Leipzig Medical Center
Classification: Likely pathogenic for Early-infantile DEE. Last evaluated: 2020-07-15. Review status: criteria provided, single submitter. Criteria: ACMG Guidelines, 2015. Collection method: clinical testing. Allele origin: de novo. Affected: yes.
Comment: This variant was identified as de novo (maternity and paternity confirmed).

Literature cited by the submitters: PubMed 33299146.

NM_130811.4(SNAP25):c.170T>G (p.Leu57Arg)

Gene: SNAP25 (synaptosome associated protein 25; plus strand). Cytogenetic location: 20p12.2.
Variant type: single nucleotide variant.
Coding change: c.170T>G on transcript NM_130811.4 (MANE Select); coding-DNA position 170, T replaced by G.
Protein change: p.Leu57Arg; replaces leucine 57 with arginine.
Molecular consequence: missense variant. On other transcripts: intron variant (2).
Genome position (GRCh38, 1-based): chr20:10,293,167, T>G. VCF-style: chr20-10293167-T-G. GRCh37 (hg19) VCF-style: chr20-10273815-T-G.
Other names: c.170T>G, p.Leu57Arg (NM_001322903.2, NM_001322904.2, NM_001322905.2 and 5 more transcripts); c.281+168T>G (NM_003081.5, NM_001322902.2); short protein forms L57R.
Identifiers: ClinVar variation 1285518 (VCV001285518.2), dbSNP rs2123120184, ClinGen allele CA408265870.